The following is an entry in ClinVar:

ClinVar aggregate classification (germline): Conflicting classifications of pathogenicity. Review status: criteria provided, conflicting classifications (1 of 4 stars). 2 submissions from 2 submitters: Uncertain significance (1); Likely benign (1). Last evaluated 2024-04-22.

Conditions:
Inborn genetic diseases. Identifiers: MedGen C0950123, MeSH D030342.
Lafora disease. Also called: Epilepsy progressive myoclonic 2; Progressive Myoclonus Epilepsy, Lafora Type. Identifiers: Orphanet 501, MedGen C0751783, MONDO:0009697.

Submissions (2):

Ambry Genetics
Classification: Likely benign for Inborn genetic diseases. Last evaluated: 2024-04-22. Review status: criteria provided, single submitter. Criteria: Ambry Variant Classification Scheme 2023. Collection method: clinical testing. Allele origin: germline.

Labcorp Genetics (formerly Invitae), Labcorp
Classification: Uncertain significance for Lafora disease. Last evaluated: 2020-12-08. Review status: criteria provided, single submitter. Criteria: Invitae Variant Classification Sherloc (09022015). Collection method: clinical testing. Allele origin: germline.
Comment: In summary, the available evidence is currently insufficient to determine the role of this variant in disease. Therefore, it has been classified as a Variant of Uncertain Significance. Algorithms developed to predict the effect of missense changes on protein structure and function (SIFT, PolyPhen-2, Align-GVGD) all suggest that this variant is likely to be tolerated, but these predictions have not been confirmed by published functional studies and their clinical significance is uncertain. This variant has not been reported in the literature in individuals with NHLRC1-related conditions. This variant is not present in population databases (ExAC no frequency). This sequence change replaces serine with asparagine at codon 8 of the NHLRC1 protein (p.Ser8Asn). The serine residue is moderately conserved and there is a small physicochemical difference between serine and asparagine.

NM_198586.3(NHLRC1):c.23G>A (p.Ser8Asn)

Gene: NHLRC1 (NHL repeat containing E3 ubiquitin protein ligase 1; minus strand). Cytogenetic location: 6p22.3.
Variant type: single nucleotide variant.
Coding change: c.23G>A on transcript NM_198586.3 (MANE Select); coding-DNA position 23, G replaced by A.
Protein change: p.Ser8Asn; replaces serine 8 with asparagine.
Molecular consequence: missense variant.
Genome position (GRCh38, 1-based): chr6:18,122,584, C>T on the plus strand (G>A on the coding strand, the complement: NHLRC1 is on the minus strand). VCF-style: chr6-18122584-C-T. GRCh37 (hg19) VCF-style: chr6-18122815-C-T.
Other names: c.23G>A (NM_198586.2); short protein forms S8N.
Identifiers: ClinVar variation 1520771 (VCV001520771.9), dbSNP rs2150703425, ClinGen allele CA362829765.